The following is an entry in ClinVar:

ClinVar aggregate classification (germline): Likely benign (1 of 4 stars; one submission).

Conditions:
RNF213-related disorder. Also called: RNF213-related condition.

gnomAD v4.1: 350 of 1,614,174 alleles (0.022%); highest among the groups gnomAD compares: South Asian, 0.36%; 2 homozygotes.

Submission:

PreventionGenetics, part of Exact Sciences
Classification: Likely benign for RNF213-related condition. Last evaluated: 2025-07-31. Review status: criteria provided, single submitter. Criteria: ACMG Guidelines, 2015. Collection method: clinical testing. Allele origin: germline.
Comment: This variant is classified as likely benign based on ACMG/AMP sequence variant interpretation guidelines (Richards et al. 2015 PMID: 25741868, with internal and published modifications).

NM_001256071.3(RNF213):c.13201A>G (p.Ser4401Gly)

Genes: RNF213 (ring finger protein 213; plus strand), RNF213-AS1 (RNF213 antisense RNA 1; minus strand). Cytogenetic location: 17q25.3.
Variant type: single nucleotide variant.
Coding change: c.13201A>G on transcript NM_001256071.3 (MANE Select); coding-DNA position 13201, A replaced by G.
Protein change: p.Ser4401Gly; replaces serine 4401 with glycine.
Molecular consequence: missense variant.
Genome position (GRCh38, 1-based): chr17:80,376,316, A>G. VCF-style: chr17-80376316-A-G. GRCh37 (hg19) VCF-style: chr17-78350116-A-G.
Other names: c.13348A>G, p.Ser4450Gly (NM_001410195.1, NM_020914.5); short protein forms S4450G, S4401G.
Identifiers: ClinVar variation 4979111 (VCV004979111.1).
Genomic context (GRCh38, chr17:80,376,316, plus strand): 5'-CAATATTCTTTGATACATCTTAATGTTAAGTTTTTTTCCTGTCAGCAATGTGAAGCTGTG[A>G]GCAAATTCATTGGCGAATGCAAGATCCTTTCACCTCCTGATATCAGCCGTTTTGCAACAT-3'
Protein context (NP_001243000.2, residues 4391-4411): HPTPEQCEAV[Ser4401Gly]KFIGECKILS